The following is an entry in ClinVar:

NM_001844.5(COL2A1):c.1957C>T (p.Arg653Ter)

Gene: COL2A1 (collagen type II alpha 1 chain; minus strand). Cytogenetic location: 12q13.11.
Variant type: single nucleotide variant.
Coding change: c.1957C>T on transcript NM_001844.5 (MANE Select); coding-DNA position 1957, C replaced by T.
Protein change: p.Arg653Ter; replaces arginine 653 with a stop codon.
Molecular consequence: nonsense.
Genome position (GRCh38, 1-based): chr12:47,983,721, G>A on the plus strand (C>T on the coding strand, the complement: COL2A1 is on the minus strand). VCF-style: chr12-47983721-G-A. GRCh37 (hg19) VCF-style: chr12-48377504-G-A.
Other names: R453*; c.1750C>T, p.Arg584Ter (NM_033150.3); short protein forms R584*, R653*.
Identifiers: ClinVar variation 17395 (VCV000017395.17), dbSNP rs121912893, ClinGen allele CA127176.
Genomic context (GRCh38, chr12:47,983,721, plus strand): 5'-AGAGCCTGGTCCAGCCACCTACCTGGAACCCAGATGGCCCAGGAGCACCCTGCTCGCCTC[G>A]TTCACCAGCAGGTCCCTGCAGTGGAAAAGAAAAGGTGAGCTGAGCCAGTGTTCCAGAGAC-3'

ClinVar aggregate classification (germline): Pathogenic. Review status: criteria provided, multiple submitters, no conflicts (2 of 4 stars). 10 submissions from 9 submitters: Pathogenic (7). 3 of the submissions do not count toward it. Last evaluated 2025-11-27.

Conditions:
COL2A1-related disorder. Also called: COL2A1-related condition; COL2A1-related disorders.
Spondyloepiphyseal dysplasia, Stanescu type. Also called: SED, STANESCU TYPE; SPONDYLOEPIMETAPHYSEAL DYSPLASIA, STANESCU TYPE. Identifiers: Orphanet 459051, MedGen C4225273, MONDO:0014701, OMIM 616583.
Spondyloperipheral dysplasia. Also called: SPONDYLOPERIPHERAL DYSPLASIA WITH SHORT ULNA; Spondyloperipheral dysplasia-short ulna syndrome. Identifiers: Orphanet 1856, MedGen C0796173, MONDO:0010078, OMIM 271700.
Kniest dysplasia. Identifiers: Orphanet 485, MedGen C0265279, MONDO:0007987, OMIM 156550.
Spondylometaphyseal dysplasia. Identifiers: Orphanet 254, MedGen C4759767, MONDO:0016763, HP:0002657.
Spondyloepiphyseal dysplasia congenita (SEDC). Also called: SED CONGENITA; SPONDYLOEPIPHYSEAL DYSPLASIA, CONGENITAL TYPE. Identifiers: Orphanet 94068, MedGen C2745959, MONDO:0008471, OMIM 183900.
Namaqualand hip dysplasia (OSCDP). Also called: Mild spondyloepiphyseal dysplasia due to COL2A1 mutation with early-onset osteoarthritis. Identifiers: Orphanet 93279, MedGen C0432214, MONDO:0011496, OMIM 604864.
Legg-Calve-Perthes disease. Also called: PERTHES DISEASE; Avascular necrosis of the capital femoral epiphysis; Osteochondritis deformans; Coxa plana. Identifiers: Orphanet 2380, MedGen C1442965, MONDO:0007885, OMIM 150600, HP:0005743.
Avascular necrosis of femoral head, primary, 1 (ANFH1). Also called: Avascular necrosis of femoral head, primary. Identifiers: Orphanet 86820, MedGen C4551562, MONDO:0054550, OMIM 608805.
Stickler syndrome, type I, nonsyndromic ocular. Also called: STICKLER SYNDROME, ATYPICAL; STICKLER SYNDROME, TYPE I, PREDOMINANTLY OCULAR. Identifiers: MedGen C1836080, MONDO:0012287, OMIM 609508.
Spondyloepiphyseal dysplasia with metatarsal shortening. Also called: CZECH DYSPLASIA, METATARSAL TYPE; SPONDYLOEPIPHYSEAL DYSPLASIA WITH PRECOCIOUS OSTEOARTHRITIS; Pseudorheumatoid dysplasia progressive, with hypoplastic toes. Identifiers: Orphanet 137678, MedGen C1836683, MONDO:0012206, OMIM 609162.
Achondrogenesis type II (ACG2). Also called: ACHONDROGENESIS, LANGER-SALDINO TYPE; CHONDROGENESIS IMPERFECTA. Identifiers: Orphanet 932, Orphanet 93296, MedGen C0220685, MONDO:0008702, OMIM 200610.
Platyspondylic dysplasia, Torrance type (PLSDT). Identifiers: Orphanet 85166, MedGen C1835437, MONDO:0007895, OMIM 151210.
Stickler syndrome type 1 (STL1). Also called: ARTHROOPHTHALMOPATHY, HEREDITARY PROGRESSIVE; STICKLER SYNDROME, MEMBRANOUS VITREOUS TYPE; STICKLER SYNDROME, VITREOUS TYPE 1; COL2A1-Related Stickler Syndrome. Identifiers: Orphanet 828, Orphanet 90653, MedGen C2020284, MONDO:0007160, OMIM 108300.
Multiple epiphyseal dysplasia, Beighton type. Identifiers: Orphanet 166011, MedGen C1851536, MONDO:0007562, OMIM 132450.
Stickler syndrome. Identifiers: Orphanet 828, MedGen C0265253, MONDO:0019354.
Inborn genetic diseases. Identifiers: MedGen C0950123, MeSH D030342.
Autosomal dominant rhegmatogenous retinal detachment. Identifiers: Orphanet 209867, MedGen C1836081, MONDO:0016202.

Submissions (10):

Labcorp Genetics (formerly Invitae), Labcorp
Classification: Pathogenic. Last evaluated: 2025-11-27. Review status: criteria provided, single submitter. Criteria: Invitae Variant Classification Sherloc (09022015). Collection method: clinical testing. Allele origin: germline.
Comment: This sequence change creates a premature translational stop signal (p.Arg653*) in the COL2A1 gene. It is expected to result in an absent or disrupted protein product. Loss-of-function variants in COL2A1 are known to be pathogenic (PMID: 20179744). This variant is not present in population databases (gnomAD no frequency). This premature translational stop signal has been observed in individuals with autosomal dominant Stickler syndrome (PMID: 12544472). This variant is also known as p.R453X. ClinVar contains an entry for this variant (Variation ID: 17395). For these reasons, this variant has been classified as Pathogenic.

Ambry Genetics
Classification: Pathogenic for Inborn genetic diseases. Last evaluated: 2024-09-30. Review status: criteria provided, single submitter. Criteria: Ambry Variant Classification Scheme 2023. Collection method: clinical testing. Allele origin: germline.
Comment: The c.1957C>T (p.R653*) alteration, located in exon 30 (coding exon 30) of the COL2A1 gene, consists of a C to T substitution at nucleotide position 1957. This changes the amino acid from an arginine (R) to a stop codon at amino acid position 653. This alteration is expected to result in loss of function by premature protein truncation or nonsense-mediated mRNA decay. This variant was not reported in population-based cohorts in the Genome Aggregation Database (gnomAD). This variant was reported in multiple individuals with features consistent with COL2A1-related skeletal dysplasia (Chan, 2023; Fujimoto, 2021; Zhou, 2018). Based on the available evidence, this alteration is classified as pathogenic.

Clinical Biomedical Laboratory, Shriners Hospital For Children - Canada
Classification: Pathogenic for Stickler Syndrome. Last evaluated: 2024-08-08. Review status: criteria provided, single submitter. Criteria: ACMG Guidelines, 2015. Collection method: clinical testing. Allele origin: germline. Inheritance: Autosomal dominant inheritance. Affected: yes. Observed: 1 heterozygote.
Comment: This variant is predicted to introduce a premature termination codon in COL2A1. Premature termination codons in COL2A1 are a known cause of Stickler syndrome (PMID: 10982970). This is expected to lead to degradation of the affected transcript and haploinsufficiency. This variant is absent from general population databases (Genome Aggregation Database v2.1.1), indicating it is not a common polymorphism. This specific variant is reported in ClinVar (Variation ID: 17395) as pathogenic from multiple submitters for various conditions including Stickler syndrome type 1. This specific variant has been reported in the literature (PMID: 20179744) and in the Leiden Open Variation database V3.

Greenwood Genetic Center Diagnostic Laboratories, Greenwood Genetic Center
Classification: Pathogenic for Stickler syndrome type 1. Last evaluated: 2023-11-10. Review status: criteria provided, single submitter. Criteria: ACMG Guidelines, 2015. Collection method: clinical testing. Allele origin: germline. Affected: yes.
Comment: PVS1, PS4, PM2

Blueprint Genetics
Classification: Pathogenic for COL2A1-related disorders. Last evaluated: 2021-12-24. Review status: criteria provided, single submitter. Criteria: ACMG Guidelines, 2015. Collection method: clinical testing. Allele origin: germline. Affected: yes. Observed: 5 variant alleles.

GeneDx
Classification: Pathogenic. Last evaluated: 2021-10-22. Review status: criteria provided, single submitter. Criteria: GeneDx Variant Classification Process June 2021. Collection method: clinical testing. Allele origin: germline. Affected: yes.
Comment: Reported in multiple individuals with Stickler syndrome referred for genetic testing at GeneDx and in published literature (Wilkin et al., 2000; Liberfarb et al., 2003; Richards et al., 2005; Hoornaert et al., 2010; Richards et al., 2010; Savasta et al., 2015); Estimated to account for 2% of molecularly confirmed cases of Stickler syndrome type 1 (Barat-Houari et al., 2016); Not observed in large population cohorts (gnomAD); Nonsense variant predicted to result in protein truncation or nonsense mediated decay in a gene for which loss-of-function is a known mechanism of disease; Reported in ClinVar as pathogenic (ClinVar Variant ID# 17395; ClinVar); Also known as R453*; This variant is associated with the following publications: (PMID: 20179744, 20301479, 20513134, 16752401, 10982970, 26443184, 12544472, 12939326, 24164106, 25809783, 29453956, 15671297, 26747767)

Fulgent Genetics
Classification: Pathogenic for Stickler syndrome type 1; Multiple epiphyseal dysplasia, Beighton type; Legg-Calve-Perthes disease; Platyspondylic dysplasia, Torrance type; Kniest dysplasia; Spondyloepiphyseal dysplasia congenita; Spondyloepimetaphyseal dysplasia, Strudwick type; Achondrogenesis type II; Spondyloperipheral dysplasia; Namaqualand hip dysplasia; Avascular necrosis of femoral head, primary, 1; Spondyloepiphyseal dysplasia with metatarsal shortening; Stickler syndrome, type I, nonsyndromic ocular; Spondyloepiphyseal dysplasia, Stanescu type. Last evaluated: 2018-10-31. Review status: criteria provided, single submitter. Criteria: ACMG Guidelines, 2015. Collection method: clinical testing. Allele origin: unknown.

OMIM
Classification: Pathogenic for STICKLER SYNDROME, TYPE I. Last evaluated: 2003-09-01. Review status: no assertion criteria provided. Collection method: literature only. Allele origin: germline. Not counted in ClinVar's aggregate classification.

OMIM
Classification: Pathogenic for RHEGMATOGENOUS RETINAL DETACHMENT, AUTOSOMAL DOMINANT. Last evaluated: 2003-09-01. Review status: no assertion criteria provided. Collection method: literature only. Allele origin: germline. Not counted in ClinVar's aggregate classification.

GeneReviews
No classification provided. Condition: Stickler syndrome type 1. Review status: no classification provided. Collection method: literature only. Allele origin: germline. Not counted in ClinVar's aggregate classification.

Literature cited by the submitters: PubMed 20179744 (cited by Labcorp Genetics (formerly Invitae), Labcorp and Clinical Biomedical Laboratory, Shriners Hospital For Children - Canada); PubMed 12544472 (cited by Labcorp Genetics (formerly Invitae), Labcorp); PubMed 30181686 (cited by Ambry Genetics); PubMed 32639332 (cited by Ambry Genetics); PubMed 37601772 (cited by Ambry Genetics); PubMed 10982970 (cited by Clinical Biomedical Laboratory, Shriners Hospital For Children - Canada and OMIM); PubMed 12939326 (cited by OMIM); NCBI Bookshelf NBK1302 (cited by GeneReviews); PubMed 20301479 (cited by GeneReviews).